The following is an entry in ClinVar:

ClinVar aggregate classification (germline): Uncertain significance (1 of 4 stars; one submission).

Submission:

Labcorp Genetics (formerly Invitae), Labcorp
Classification: Uncertain significance. Last evaluated: 2024-04-10. Review status: criteria provided, single submitter. Criteria: Invitae Variant Classification Sherloc (09022015). Collection method: clinical testing. Allele origin: germline.
Comment: This sequence change replaces leucine, which is neutral and non-polar, with valine, which is neutral and non-polar, at codon 350 of the MSH3 protein (p.Leu350Val). This variant is not present in population databases (gnomAD no frequency). This variant has not been reported in the literature in individuals affected with MSH3-related conditions. ClinVar contains an entry for this variant (Variation ID: 1719776). Algorithms developed to predict the effect of missense changes on protein structure and function output the following: SIFT: "Not Available"; PolyPhen-2: "Benign"; Align-GVGD: "Not Available". The valine amino acid residue is found in multiple mammalian species, which suggests that this missense change does not adversely affect protein function. Algorithms developed to predict the effect of sequence changes on RNA splicing suggest that this variant may create or strengthen a splice site. In summary, the available evidence is currently insufficient to determine the role of this variant in disease. Therefore, it has been classified as a Variant of Uncertain Significance.

NM_002439.5(MSH3):c.1048C>G (p.Leu350Val)

Gene: MSH3 (mutS homolog 3; plus strand). Cytogenetic location: 5q14.1.
Variant type: single nucleotide variant.
Coding change: c.1048C>G on transcript NM_002439.5 (MANE Select); coding-DNA position 1048, C replaced by G.
Protein change: p.Leu350Val; replaces leucine 350 with valine.
Molecular consequence: missense variant.
Genome position (GRCh38, 1-based): chr5:80,675,003, C>G. VCF-style: chr5-80675003-C-G. GRCh37 (hg19) VCF-style: chr5-79970822-C-G.
Other names: short protein forms L350V.
Identifiers: ClinVar variation 1719776 (VCV001719776.5), dbSNP rs2112815943, ClinGen allele CA360267891.